The following is an entry in ClinVar:

NM_024598.4(USB1):c.41C>A (p.Ser14Tyr)

Gene: USB1 (U6 snRNA biogenesis phosphodiesterase 1; plus strand). Cytogenetic location: 16q21.
Variant type: single nucleotide variant.
Coding change: c.41C>A on transcript NM_024598.4 (MANE Select); coding-DNA position 41, C replaced by A.
Protein change: p.Ser14Tyr; replaces serine 14 with tyrosine.
Molecular consequence: missense variant. On other transcripts: intron variant (1).
Genome position (GRCh38, 1-based): chr16:58,001,524, C>A. VCF-style: chr16-58001524-C-A. GRCh37 (hg19) VCF-style: chr16-58035428-C-A.
Other names: c.41C>A, p.Ser14Tyr (NM_001195302.2, NM_001204911.2, NM_001330569.2); c.-55-955C>A (NM_001330568.2); short protein forms S14Y.
Identifiers: ClinVar variation 3978172 (VCV003978172.1).

ClinVar aggregate classification (germline): Uncertain significance (1 of 4 stars; one submission).

Conditions:
Inborn genetic diseases. Identifiers: MedGen C0950123, MeSH D030342.

Submission:

Ambry Genetics
Classification: Uncertain significance for Inborn genetic diseases. Last evaluated: 2025-05-15. Review status: criteria provided, single submitter. Criteria: Ambry Variant Classification Scheme 2023. Collection method: clinical testing. Allele origin: germline.
Comment: The p.S14Y variant (also known as c.41C>A), located in coding exon 1 of the USB1 gene, results from a C to A substitution at nucleotide position 41. The serine at codon 14 is replaced by tyrosine, an amino acid with dissimilar properties. This amino acid position is conserved. In addition, this alteration is predicted to be tolerated by in silico analysis. Based on the available evidence, the clinical significance of this variant remains unclear.